The following is an entry in ClinVar:

NM_018975.4(TERF2IP):c.1193A>G (p.Lys398Arg)

Gene: TERF2IP (TERF2 interacting protein; plus strand). Cytogenetic location: 16q23.1.
Variant type: single nucleotide variant.
Coding change: c.1193A>G on transcript NM_018975.4 (MANE Select); coding-DNA position 1193, A replaced by G.
Protein change: p.Lys398Arg; replaces lysine 398 with arginine.
Molecular consequence: missense variant. On other transcripts: non-coding transcript variant (1).
Genome position (GRCh38, 1-based): chr16:75,656,604, A>G. VCF-style: chr16-75656604-A-G. GRCh37 (hg19) VCF-style: chr16-75690502-A-G.
Other names: short protein forms K398R.
Identifiers: ClinVar variation 2563459 (VCV002563459.2), dbSNP rs2507090116, ClinGen allele CA396820464.

ClinVar aggregate classification (germline): Uncertain significance (1 of 4 stars; one submission).

Submission:

Ambry Genetics
Classification: Uncertain significance. Last evaluated: 2023-04-09. Review status: criteria provided, single submitter. Criteria: Ambry Variant Classification Scheme 2023. Collection method: clinical testing. Allele origin: germline.
Comment: The p.K398R variant (also known as c.1193A>G), located in coding exon 3 of the TERF2IP gene, results from an A to G substitution at nucleotide position 1193. The lysine at codon 398 is replaced by arginine, an amino acid with highly similar properties. This amino acid position is conserved. In addition, this alteration is predicted to be tolerated by in silico analysis. Since supporting evidence is limited at this time, the clinical significance of this alteration remains unclear.